The following is an entry in ClinVar:

ClinVar aggregate classification (germline): Conflicting classifications of pathogenicity. Review status: criteria provided, conflicting classifications (1 of 4 stars). 2 submissions from 2 submitters: Uncertain significance (1); Likely benign (1). Last evaluated 2022-10-28.

Conditions:
Proline dehydrogenase deficiency (HYRPRO1). Also called: PROLINE OXIDASE DEFICIENCY; Hyperprolinemia type 1. Identifiers: Orphanet 419, MedGen C0268529, MONDO:0009400, OMIM 239500.

Submissions (2):

Blueprint Genetics
Classification: Likely benign. Last evaluated: 2022-10-28. Review status: criteria provided, single submitter. Criteria: ACMG Guidelines, 2015. Collection method: clinical testing. Allele origin: germline.

Labcorp Genetics (formerly Invitae), Labcorp
Classification: Uncertain significance for Proline dehydrogenase deficiency. Last evaluated: 2022-04-25. Review status: criteria provided, single submitter. Criteria: Invitae Variant Classification Sherloc (09022015). Collection method: clinical testing. Allele origin: germline.
Comment: Variants that disrupt the consensus splice site are a relatively common cause of aberrant splicing (PMID: 17576681, 9536098). Algorithms developed to predict the effect of sequence changes on RNA splicing suggest that this variant is not likely to affect RNA splicing. In summary, the available evidence is currently insufficient to determine the role of this variant in disease. Therefore, it has been classified as a Variant of Uncertain Significance. This variant has not been reported in the literature in individuals affected with PRODH-related conditions. This variant is present in population databases (rs755542554, gnomAD 0.002%). This sequence change falls in intron 11 of the PRODH gene. It does not directly change the encoded amino acid sequence of the PRODH protein. It affects a nucleotide within the consensus splice site.

Literature cited by the submitters: PubMed 17576681 (cited by Labcorp Genetics (formerly Invitae), Labcorp); PubMed 9536098 (cited by Labcorp Genetics (formerly Invitae), Labcorp).

NM_016335.6(PRODH):c.1251+6C>T

Gene: PRODH (proline dehydrogenase 1; minus strand). Cytogenetic location: 22q11.21.
Variant type: single nucleotide variant.
Coding change: c.1251+6C>T on transcript NM_016335.6 (MANE Select); 6 bases into the intron after coding-DNA position 1251, C replaced by T.
Molecular consequence: intron variant.
Genome position (GRCh38, 1-based): chr22:18,919,445, G>A on the plus strand (C>T on the coding strand, the complement: PRODH is on the minus strand). VCF-style: chr22-18919445-G-A. GRCh37 (hg19) VCF-style: chr22-18906958-G-A.
Other names: c.927+6C>T (NM_001195226.2).
Identifiers: ClinVar variation 2143972 (VCV002143972.5), dbSNP rs755542554, ClinGen allele CA10095023.